The following is an entry in ClinVar:

ClinVar aggregate classification (germline): Uncertain significance. Review status: criteria provided, multiple submitters, no conflicts (2 of 4 stars). 2 submissions from 2 submitters: Uncertain significance (2). Last evaluated 2025-12-19.

Conditions:
Weaver syndrome (WVS). Also called: Weaver Smith syndrome; Overgrowth syndrome with accelerated skeletal maturation, unusual facies, and camptodactyly. Identifiers: Orphanet 3447, MedGen C0265210, MONDO:0010193, OMIM 277590.

Allele frequency attached by ClinVar (database versions not stated): gnomAD 0.00001; gnomAD exomes 0.00001; TOPMed 0.00002.

Submissions (2):

Labcorp Genetics (formerly Invitae), Labcorp
Classification: Uncertain significance for Weaver syndrome. Last evaluated: 2025-12-19. Review status: criteria provided, single submitter. Criteria: Invitae Variant Classification Sherloc (09022015). Collection method: clinical testing. Allele origin: germline.
Comment: This sequence change replaces arginine, which is basic and polar, with histidine, which is basic and polar, at codon 46 of the EZH2 protein (p.Arg46His). This variant is present in population databases (no rsID available, gnomAD 0.002%). This variant has not been reported in the literature in individuals affected with EZH2-related conditions. ClinVar contains an entry for this variant (Variation ID: 3251772). Invitae Evidence Modeling of protein sequence and biophysical properties (such as structural, functional, and spatial information, amino acid conservation, physicochemical variation, residue mobility, and thermodynamic stability) indicates that this missense variant is expected to disrupt EZH2 protein function with a positive predictive value of 80%. In summary, the available evidence is currently insufficient to determine the role of this variant in disease. Therefore, it has been classified as a Variant of Uncertain Significance.

Women's Health and Genetics/Laboratory Corporation of America, LabCorp
Classification: Uncertain significance. Last evaluated: 2024-04-23. Review status: criteria provided, single submitter. Criteria: LabCorp Variant Classification Summary - May 2015. Collection method: clinical testing. Allele origin: germline.
Comment: Variant summary: EZH2 c.137G>A (p.Arg46His) results in a non-conservative amino acid change in the encoded protein sequence. Four of five in-silico tools predict a damaging effect of the variant on protein function. The variant allele was found at a frequency of 1.2e-05 in 250410 control chromosomes. The available data on variant occurrences in the general population are insufficient to allow any conclusion about variant significance. To our knowledge, no occurrence of c.137G>A in individuals affected with Weaver Syndrome and no experimental evidence demonstrating its impact on protein function have been reported. No submitters have cited clinical-significance assessments for this variant to ClinVar. Based on the evidence outlined above, the variant was classified as uncertain significance.

NM_004456.5(EZH2):c.137G>A (p.Arg46His)

Gene: EZH2 (enhancer of zeste 2 polycomb repressive complex 2 subunit; minus strand). Cytogenetic location: 7q36.1.
Variant type: single nucleotide variant.
Coding change: c.137G>A on transcript NM_004456.5 (MANE Select); coding-DNA position 137, G replaced by A.
Protein change: p.Arg46His; replaces arginine 46 with histidine.
Molecular consequence: missense variant.
Genome position (GRCh38, 1-based): chr7:148,846,579, C>T on the plus strand (G>A on the coding strand, the complement: EZH2 is on the minus strand). VCF-style: chr7-148846579-C-T. GRCh37 (hg19) VCF-style: chr7-148543671-C-T.
Other names: c.137G>A, p.Arg46His (NM_001203247.2, NM_001203248.2, NM_001203249.2 and 1 more transcripts); short protein forms R46H.
Identifiers: ClinVar variation 3251772 (VCV003251772.2), dbSNP rs1333628386.